The following is an entry in ClinVar:

ClinVar aggregate classification (germline): Uncertain significance (1 of 4 stars; one submission).

Allele frequency attached by ClinVar (database versions not stated): gnomAD exomes below 0.00001; ExAC 0.00001.
gnomAD v4.1: 1 of 1,611,698 alleles (0.000062%); highest among the groups gnomAD compares: South Asian, 0.0011%; no homozygotes.

Submission:

Labcorp Genetics (formerly Invitae), Labcorp
Classification: Uncertain significance. Last evaluated: 2022-04-12. Review status: criteria provided, single submitter. Criteria: Invitae Variant Classification Sherloc (09022015). Collection method: clinical testing. Allele origin: germline.
Comment: In summary, the available evidence is currently insufficient to determine the role of this variant in disease. Therefore, it has been classified as a Variant of Uncertain Significance. Algorithms developed to predict the effect of sequence changes on RNA splicing suggest that this variant may disrupt the consensus splice site. This variant has not been reported in the literature in individuals affected with DDX58-related conditions. This variant is present in population databases (rs760693331, gnomAD 0.003%). This sequence change falls in intron 12 of the DDX58 gene. It does not directly change the encoded amino acid sequence of the DDX58 protein.

NM_014314.4(RIGI):c.1775-12T>A

Gene: RIGI (RNA sensor RIG-I; minus strand). Cytogenetic location: 9p21.1.
Variant type: single nucleotide variant.
Coding change: c.1775-12T>A on transcript NM_014314.4 (MANE Select); 12 bases into the intron before coding-DNA position 1775, T replaced by A.
Molecular consequence: intron variant.
Genome position (GRCh38, 1-based): chr9:32,477,143, A>T on the plus strand (T>A on the coding strand, the complement: RIGI is on the minus strand). VCF-style: chr9-32477143-A-T. GRCh37 (hg19) VCF-style: chr9-32477141-A-T.
Other names: c.1166-12T>A (NM_001385912.1); c.1760-12T>A (NM_001385913.1); c.1769-12T>A (NM_001385907.1); c.1775-12T>A (NM_001385909.1); c.1331-12T>A (NM_001385914.1); c.1334-12T>A (NM_001385910.1).
Identifiers: ClinVar variation 2125784 (VCV002125784.4), dbSNP rs760693331, ClinGen allele CA5019679.